The following is an entry in ClinVar:

NM_004304.5(ALK):c.2036C>G (p.Pro679Arg)

Gene: ALK (ALK receptor tyrosine kinase; minus strand). Cytogenetic location: 2p23.2.
Variant type: single nucleotide variant.
Coding change: c.2036C>G on transcript NM_004304.5 (MANE Select); coding-DNA position 2036, C replaced by G.
Protein change: p.Pro679Arg; replaces proline 679 with arginine.
Molecular consequence: missense variant.
Genome position (GRCh38, 1-based): chr2:29,275,104, G>C on the plus strand (C>G on the coding strand, the complement: ALK is on the minus strand). VCF-style: chr2-29275104-G-C. GRCh37 (hg19) VCF-style: chr2-29497970-G-C.
Other names: short protein forms P679R.
Identifiers: ClinVar variation 579853 (VCV000579853.13), dbSNP rs1558648699, ClinGen allele CA346479570.
Genomic context (GRCh38, chr2:29,275,104, plus strand): 5'-TCTGCCTTTTGCAACAAGAAGTTACTGTGCTCACATTTGTGAGCTGAACCCTTACCTGTA[G>C]GGTCAAAGATGGGGGTCTGTCTTGGTGAATTTTCCCCGGGTTTCAGCTCCTTGTTTGGGT-3'
Protein context (NP_004295.2, residues 669-689): NSPRQTPIFD[Pro679Arg]TVHWLFTTCG

ClinVar aggregate classification (germline): Uncertain significance. Review status: criteria provided, multiple submitters, no conflicts (2 of 4 stars). 2 submissions from 2 submitters: Uncertain significance (2). Last evaluated 2025-11-05.

Conditions:
Hereditary cancer-predisposing syndrome. Also called: Hereditary neoplastic syndrome; Tumor predisposition; Hereditary Cancer Syndrome; Neoplastic Syndromes, Hereditary. Identifiers: Orphanet 140162, MedGen C0027672, MeSH D009386, MONDO:0015356.
Neuroblastoma, susceptibility to, 3. Also called: ALK-Related Neuroblastic Tumor Susceptibility. Identifiers: Orphanet 635, MedGen C2751681, MONDO:0013083, OMIM 613014.

Allele frequency attached by ClinVar (database versions not stated): gnomAD exomes 0.00001.
gnomAD v4.1: 14 of 1,614,092 alleles (0.00087%); highest among the groups gnomAD compares: Non-Finnish European, 0.0012%; no homozygotes.

Submissions (2):

Ambry Genetics
Classification: Uncertain significance for Hereditary cancer-predisposing syndrome. Last evaluated: 2025-11-05. Review status: criteria provided, single submitter. Criteria: Ambry Variant Classification Scheme 2023. Collection method: clinical testing. Allele origin: germline.
Comment: The p.P679R variant (also known as c.2036C>G), located in coding exon 11 of the ALK gene, results from a C to G substitution at nucleotide position 2036. The proline at codon 679 is replaced by arginine, an amino acid with dissimilar properties. This amino acid position is conserved. In addition, this alteration is predicted to be deleterious by in silico analysis. Since supporting evidence is limited at this time, the clinical significance of this alteration remains unclear.

Labcorp Genetics (formerly Invitae), Labcorp
Classification: Uncertain significance for Neuroblastoma, susceptibility to, 3. Last evaluated: 2025-08-11. Review status: criteria provided, single submitter. Criteria: Invitae Variant Classification Sherloc (09022015). Collection method: clinical testing. Allele origin: germline.
Comment: This sequence change replaces proline, which is neutral and non-polar, with arginine, which is basic and polar, at codon 679 of the ALK protein (p.Pro679Arg). This variant is not present in population databases (gnomAD no frequency). This variant has not been reported in the literature in individuals affected with ALK-related conditions. ClinVar contains an entry for this variant (Variation ID: 579853). An algorithm developed to predict the effect of missense changes on protein structure and function (PolyPhen-2) suggests that this variant is likely to be disruptive. In summary, the available evidence is currently insufficient to determine the role of this variant in disease. Therefore, it has been classified as a Variant of Uncertain Significance.